The following is an entry in ClinVar:

NM_006545.5(NPRL2):c.232C>T (p.Arg78Cys)

Gene: NPRL2 (NPR2 like, GATOR1 complex subunit; minus strand). Cytogenetic location: 3p21.31.
Variant type: single nucleotide variant.
Coding change: c.232C>T on transcript NM_006545.5 (MANE Select); coding-DNA position 232, C replaced by T.
Protein change: p.Arg78Cys; replaces arginine 78 with cysteine.
Molecular consequence: missense variant.
Genome position (GRCh38, 1-based): chr3:50,349,772, G>A on the plus strand (C>T on the coding strand, the complement: NPRL2 is on the minus strand). VCF-style: chr3-50349772-G-A. GRCh37 (hg19) VCF-style: chr3-50387203-G-A.
Other names: short protein forms R78C.
Identifiers: ClinVar variation 1804017 (VCV001804017.3), dbSNP rs2470938044, ClinGen allele CA352951785.

ClinVar aggregate classification (germline): Conflicting classifications of pathogenicity. Review status: criteria provided, conflicting classifications (1 of 4 stars). 3 submissions from 3 submitters: Likely pathogenic (2); Uncertain significance (1). Last evaluated 2023-12-07.

Conditions:
Epilepsy, familial focal, with variable foci 2 (FFEVF2). Identifiers: MedGen C4310709, MONDO:0014924, OMIM 617116.

Allele frequency attached by ClinVar (database versions not stated): gnomAD exomes below 0.00001.
gnomAD v4.1: 2 of 1,613,924 alleles (0.00012%); highest among the groups gnomAD compares: Non-Finnish European, 0.00017%; no homozygotes.

Submissions (3):

3billion
Classification: Uncertain significance for Epilepsy, familial focal, with variable foci 2. Last evaluated: 2023-12-07. Review status: criteria provided, single submitter. Criteria: ACMG Guidelines, 2015. Collection method: clinical testing. Allele origin: germline. Affected: yes.
Comment: The variant is not observed in the gnomAD v2.1.1 dataset. Predicted Consequence/Location: Missense variant In silico tool predictions suggest damaging effect of the variant on gene or gene product [REVEL: 0.78 (>=0.6, sensitivity 0.68 and specificity 0.92); 3Cnet: 0.88 (>=0.6, sensitivity 0.72 and precision 0.9)]. Same nucleotide change resulting in same amino acid change has been previously reported to be associated with NPRL2-related disorder (ClinVar ID: VCV001804017 /PMID: 28199897). However, the evidence of pathogenicity is insufficient at this time. Therefore, this variant is classified as VUS according to the recommendation of ACMG/AMP guideline.

Institute of Human Genetics Munich, TUM University Hospital
Classification: Likely pathogenic for Epilepsy, familial focal, with variable foci 2. Last evaluated: 2020-12-21. Review status: criteria provided, single submitter. Criteria: Classification criteria August 2017. Collection method: clinical testing. Allele origin: germline. Inheritance: Autosomal dominant inheritance. Affected: yes. Observed: 1 variant allele.

Solve-RD Consortium
Classification: Likely pathogenic for Epilepsy, familial focal, with variable foci 2. Review status: criteria provided, single submitter. Criteria: ACMG Guidelines, 2015. Collection method: provider interpretation. Allele origin: germline. Inheritance: Autosomal dominant inheritance. Affected: yes. Study: Solve-RD DIFT-EpiCARE reanalysis.
Comment: PS4, PM2, PP3

Variant identified during reanalysis of unsolved cases by the Solve-RD project. The Solve-RD project has received funding from the European Union’s Horizon 2020 research and innovation programme under grant agreement No 779257.

Literature cited by the submitters: PubMed 28199897 (cited by 3billion); PubMed 30093711 (cited by Institute of Human Genetics Munich, TUM University Hospital).